The following is an entry in ClinVar:

ClinVar aggregate classification (germline): Uncertain significance (1 of 4 stars; one submission).

Submission:

Labcorp Genetics (formerly Invitae), Labcorp
Classification: Uncertain significance. Last evaluated: 2022-10-10. Review status: criteria provided, single submitter. Criteria: Invitae Variant Classification Sherloc (09022015). Collection method: clinical testing. Allele origin: germline.
Comment: In summary, the available evidence is currently insufficient to determine the role of this variant in disease. Therefore, it has been classified as a Variant of Uncertain Significance. Advanced modeling of protein sequence and biophysical properties (such as structural, functional, and spatial information, amino acid conservation, physicochemical variation, residue mobility, and thermodynamic stability) performed at Invitae indicates that this missense variant is not expected to disrupt POLE protein function. This variant has not been reported in the literature in individuals affected with POLE-related conditions. This variant is not present in population databases (gnomAD no frequency). This sequence change replaces arginine, which is basic and polar, with proline, which is neutral and non-polar, at codon 573 of the POLE protein (p.Arg573Pro).

NM_006231.4(POLE):c.1718G>C (p.Arg573Pro)

Gene: POLE (DNA polymerase epsilon, catalytic subunit; minus strand). Cytogenetic location: 12q24.33.
Variant type: single nucleotide variant.
Coding change: c.1718G>C on transcript NM_006231.4 (MANE Select); coding-DNA position 1718, G replaced by C.
Protein change: p.Arg573Pro; replaces arginine 573 with proline.
Molecular consequence: missense variant.
Genome position (GRCh38, 1-based): chr12:132,672,291, C>G on the plus strand (G>C on the coding strand, the complement: POLE is on the minus strand). VCF-style: chr12-132672291-C-G. GRCh37 (hg19) VCF-style: chr12-133248877-C-G.
Other names: short protein forms R573P.
Identifiers: ClinVar variation 1720705 (VCV001720705.5), dbSNP rs1054837169, ClinGen allele CA387356364.